The following is an entry in ClinVar:

ClinVar aggregate classification (germline): Uncertain significance. Review status: criteria provided, multiple submitters, no conflicts (2 of 4 stars). 2 submissions from 2 submitters: Uncertain significance (2). Last evaluated 2024-09-05.

Conditions:
PTH1R-related disorder. Also called: PTH1R-related condition.

Allele frequency attached by ClinVar (database versions not stated): gnomAD exomes below 0.00001; gnomAD 0.00001.
gnomAD v4.1: 5 of 1,614,020 alleles (0.00031%); highest among the groups gnomAD compares: Admixed American, 0.0017%; no homozygotes.

Submissions (2):

Labcorp Genetics (formerly Invitae), Labcorp
Classification: Uncertain significance. Last evaluated: 2024-09-05. Review status: criteria provided, single submitter. Criteria: Invitae Variant Classification Sherloc (09022015). Collection method: clinical testing. Allele origin: germline.
Comment: This sequence change replaces phenylalanine, which is neutral and non-polar, with leucine, which is neutral and non-polar, at codon 450 of the PTH1R protein (p.Phe450Leu). This variant is not present in population databases (gnomAD no frequency). This variant has not been reported in the literature in individuals affected with PTH1R-related conditions. ClinVar contains an entry for this variant (Variation ID: 1374780). Invitae Evidence Modeling of protein sequence and biophysical properties (such as structural, functional, and spatial information, amino acid conservation, physicochemical variation, residue mobility, and thermodynamic stability) indicates that this missense variant is not expected to disrupt PTH1R protein function with a negative predictive value of 80%. In summary, the available evidence is currently insufficient to determine the role of this variant in disease. Therefore, it has been classified as a Variant of Uncertain Significance.

PreventionGenetics, part of Exact Sciences
Classification: Uncertain significance for PTH1R-related condition. Last evaluated: 2023-02-27. Review status: criteria provided, single submitter. Criteria: ACMG Guidelines, 2015. Collection method: clinical testing. Allele origin: germline.
Comment: The PTH1R c.1348T>C variant is predicted to result in the amino acid substitution p.Phe450Leu. To our knowledge, this variant has not been reported in the literature or in a large population database, indicating this variant is rare. At this time, the clinical significance of this variant is uncertain due to the absence of conclusive functional and genetic evidence.

NM_000316.3(PTH1R):c.1348T>C (p.Phe450Leu)

Gene: PTH1R (parathyroid hormone 1 receptor; plus strand). Cytogenetic location: 3p21.31.
Variant type: single nucleotide variant.
Coding change: c.1348T>C on transcript NM_000316.3 (MANE Select); coding-DNA position 1348, T replaced by C.
Protein change: p.Phe450Leu; replaces phenylalanine 450 with leucine.
Molecular consequence: missense variant.
Genome position (GRCh38, 1-based): chr3:46,902,662, T>C. VCF-style: chr3-46902662-T-C. GRCh37 (hg19) VCF-style: chr3-46944152-T-C.
Other names: c.1348T>C, p.Phe450Leu (NM_001184744.1); c.1348T>C (NM_000316.2); short protein forms F450L.
Identifiers: ClinVar variation 1374780 (VCV001374780.6), dbSNP rs1345258655, ClinGen allele CA352503149.